The following is an entry in ClinVar:

NM_004817.4(TJP2):c.2943A>C (p.Gln981His)

Gene: TJP2 (tight junction protein 2; plus strand). Cytogenetic location: 9q21.11.
Variant type: single nucleotide variant.
Coding change: c.2943A>C on transcript NM_004817.4 (MANE Select); coding-DNA position 2943, A replaced by C.
Protein change: p.Gln981His; replaces glutamine 981 with histidine.
Molecular consequence: missense variant. On other transcripts: intron variant (6).
Genome position (GRCh38, 1-based): chr9:69,249,437, A>C. VCF-style: chr9-69249437-A-C. GRCh37 (hg19) VCF-style: chr9-71864353-A-C.
Other names: c.3036A>C, p.Gln1012His (NM_001170416.2); c.2868A>C, p.Gln956His (NM_001369870.1); c.2874A>C, p.Gln958His (NM_001369871.1); c.2955A>C, p.Gln985His (NM_001369875.1); c.2811+1213A>C (NM_001170414.2); c.2880+1213A>C (NM_201629.3, NM_001369872.1); c.2668-1598A>C (NM_001369873.1); c.2892+1213A>C (NM_001170415.1, NM_001369874.1); and 1 more; short protein forms Q985H, Q958H, Q1012H, Q956H, Q981H.
Identifiers: ClinVar variation 1351857 (VCV001351857.10), dbSNP rs112917902, ClinGen allele CA5073829.
Genomic context (GRCh38, chr9:69,249,437, plus strand): 5'-CATAAGGAAACCCAGCCCAGAGCCACGAGCTCAGATGAGGAGGGCTGCTAGCAGCGATCA[A>C]CTTAGGGACAATAGCCCGCCCCCAGCATTCAAGCCAGAGCCGCCCAAGGTACGTGGCTGG-3'
Protein context (NP_004808.2, residues 971-991): AQMRRAASSD[Gln981His]LRDNSPPPAF

ClinVar aggregate classification (germline): Uncertain significance. Review status: criteria provided, multiple submitters, no conflicts (2 of 4 stars). 3 submissions from 3 submitters: Uncertain significance (3). Last evaluated 2024-09-16.

Conditions:
Inborn genetic diseases. Identifiers: MedGen C0950123, MeSH D030342.

Allele frequency attached by ClinVar (database versions not stated): gnomAD exomes 0.00002; gnomAD 0.00003 and 0.00004; ExAC 0.00005; TOPMed 0.00005; ESP Exome Variant Server 0.00008.
gnomAD v4.1: 28 of 1,611,672 alleles (0.0017%); highest among the groups gnomAD compares: African/African-American, 0.024%; no homozygotes.

Submissions (3):

Labcorp Genetics (formerly Invitae), Labcorp
Classification: Uncertain significance. Last evaluated: 2024-09-16. Review status: criteria provided, single submitter. Criteria: Invitae Variant Classification Sherloc (09022015). Collection method: clinical testing. Allele origin: germline.
Comment: This sequence change replaces glutamine, which is neutral and polar, with histidine, which is basic and polar, at codon 981 of the TJP2 protein (p.Gln981His). This variant is present in population databases (rs112917902, gnomAD 0.03%). This variant has not been reported in the literature in individuals affected with TJP2-related conditions. ClinVar contains an entry for this variant (Variation ID: 1351857). An algorithm developed to predict the effect of missense changes on protein structure and function outputs the following: PolyPhen-2: "Benign". The histidine amino acid residue is found in multiple mammalian species, which suggests that this missense change does not adversely affect protein function. In summary, the available evidence is currently insufficient to determine the role of this variant in disease. Therefore, it has been classified as a Variant of Uncertain Significance.

GeneDx
Classification: Uncertain significance. Last evaluated: 2024-07-26. Review status: criteria provided, single submitter. Criteria: GeneDx Variant Classification Process June 2021. Collection method: clinical testing. Allele origin: germline. Affected: yes.
Comment: In silico analysis indicates that this missense variant does not alter protein structure/function; Has not been previously published as pathogenic or benign to our knowledge

Ambry Genetics
Classification: Uncertain significance for Inborn genetic diseases. Last evaluated: 2024-04-23. Review status: criteria provided, single submitter. Criteria: Ambry Variant Classification Scheme 2023. Collection method: clinical testing. Allele origin: germline.